The following is an entry in ClinVar:

NM_001563.4(IMPG1):c.1712G>A (p.Arg571Gln)

Gene: IMPG1 (interphotoreceptor matrix proteoglycan 1; minus strand). Cytogenetic location: 6q14.1.
Variant type: single nucleotide variant.
Coding change: c.1712G>A on transcript NM_001563.4 (MANE Select); coding-DNA position 1712, G replaced by A.
Protein change: p.Arg571Gln; replaces arginine 571 with glutamine.
Molecular consequence: missense variant.
Genome position (GRCh38, 1-based): chr6:75,950,674, C>T on the plus strand (G>A on the coding strand, the complement: IMPG1 is on the minus strand). VCF-style: chr6-75950674-C-T. GRCh37 (hg19) VCF-style: chr6-76660391-C-T.
Other names: c.1478G>A, p.Arg493Gln (NM_001282368.2); short protein forms R571Q, R493Q.
Identifiers: ClinVar variation 2872015 (VCV002872015.4), dbSNP rs781353377, ClinGen allele CA3898065.

ClinVar aggregate classification (germline): Conflicting classifications of pathogenicity. Review status: criteria provided, conflicting classifications (1 of 4 stars). 2 submissions from 2 submitters: Uncertain significance (1); Likely benign (1). Last evaluated 2024-08-30.

Allele frequency attached by ClinVar (database versions not stated): ExAC 0.00001; gnomAD exomes 0.00001.
gnomAD v4.1: 11 of 1,613,830 alleles (0.00068%); highest among the groups gnomAD compares: South Asian, 0.0033%; no homozygotes.

Submissions (2):

Labcorp Genetics (formerly Invitae), Labcorp
Classification: Uncertain significance. Last evaluated: 2024-08-30. Review status: criteria provided, single submitter. Criteria: Invitae Variant Classification Sherloc (09022015). Collection method: clinical testing. Allele origin: germline.
Comment: This sequence change replaces arginine, which is basic and polar, with glutamine, which is neutral and polar, at codon 571 of the IMPG1 protein (p.Arg571Gln). This variant is present in population databases (rs781353377, gnomAD 0.003%). This variant has not been reported in the literature in individuals affected with IMPG1-related conditions. An algorithm developed to predict the effect of missense changes on protein structure and function outputs the following: PolyPhen-2: "Benign". The glutamine amino acid residue is found in multiple mammalian species, which suggests that this missense change does not adversely affect protein function. In summary, the available evidence is currently insufficient to determine the role of this variant in disease. Therefore, it has been classified as a Variant of Uncertain Significance.

Blueprint Genetics
Classification: Likely benign. Last evaluated: 2018-07-16. Review status: criteria provided, single submitter. Criteria: ACMG Guidelines, 2015. Collection method: clinical testing. Allele origin: germline.